The following is an entry in ClinVar:

NM_001370466.1(NOD2):c.1388G>T (p.Trp463Leu)

Gene: NOD2 (nucleotide binding oligomerization domain containing 2; plus strand). Cytogenetic location: 16q12.1.
Variant type: single nucleotide variant.
Coding change: c.1388G>T on transcript NM_001370466.1 (MANE Select); coding-DNA position 1388, G replaced by T.
Protein change: p.Trp463Leu; replaces tryptophan 463 with leucine.
Molecular consequence: missense variant. On other transcripts: non-coding transcript variant (1).
Genome position (GRCh38, 1-based): chr16:50,711,380, G>T. VCF-style: chr16-50711380-G-T. GRCh37 (hg19) VCF-style: chr16-50745291-G-T.
Other names: c.1469G>T (LRG_177t1); c.1388G>T, p.Trp463Leu (NM_001293557.2); c.1469G>T, p.Trp490Leu (NM_022162.3); short protein forms W490L, W463L.
Identifiers: ClinVar variation 97831 (VCV000097831.1), dbSNP rs104895480, ClinGen allele CA150208.
Genomic context (GRCh38, chr16:50,711,380, plus strand): 5'-TCCGCCTGCTCCAAGAGACCTCAGCCCTGCACGGTTTGTGCCACCTGCCTGTCTTCTCAT[G>T]GATGGTGTCCAAATGCCACCAGGAACTGTTGCTGCAGGAGGGGGGGTCCCCAAAGACCAC-3'
Protein context (NP_001357395.1, residues 453-473): HGLCHLPVFS[Trp463Leu]MVSKCHQELL

ClinVar aggregate classification (germline): not provided (0 of 4 stars; one submission).

Conditions:
Blau syndrome (BLAUS). Also called: ARTHROCUTANEOUVEAL GRANULOMATOSIS; GRANULOMATOSIS, FAMILIAL JUVENILE SYSTEMIC; GRANULOMATOSIS, FAMILIAL, BLAU TYPE; GRANULOMATOUS INFLAMMATORY ARTHRITIS, DERMATITIS, AND UVEITIS, FAMILIAL; JABS SYNDROME. Identifiers: Orphanet 90340, MedGen C5201146, MONDO:0008523, OMIM 186580.

Submission:

Unité médicale des maladies autoinflammatoires, CHRU Montpellier
No classification provided. Condition: Sarcoidosis, early-onset. Review status: no classification provided. Collection method: not provided. Allele origin: unknown.
Comment: also involved in OMIM 186580 and 266600